The following is an entry in ClinVar:

ClinVar aggregate classification (germline): Pathogenic (1 of 4 stars; one submission).

Conditions:
Heterotopia, periventricular, X-linked dominant (PVNH1). Also called: PERIVENTRICULAR NODULAR HETEROTOPIA 4; HETEROTOPIA, PERIVENTRICULAR, 1; PERIVENTRICULAR NODULAR HETEROTOPIA 1; X-linked periventricular heterotopia. Identifiers: Orphanet 2149, Orphanet 82004, MedGen C1848213, MONDO:0010233, OMIM 300049.
Melnick-Needles syndrome (MNS). Also called: MELNICK-NEEDLES OSTEODYSPLASTY; OSTEODYSPLASTY OF MELNICK AND NEEDLES; Melnick-Needles Syndrome (FLNA-MNS). Identifiers: Orphanet 2484, MedGen C0025237, MONDO:0010650, OMIM 309350.
Frontometaphyseal dysplasia (FMD1). Identifiers: Orphanet 1826, MedGen C0265293, MONDO:0015942.
Oto-palato-digital syndrome, type II (OPD2). Also called: FACIOPALATOOSSEOUS SYNDROME; OPD II SYNDROME; Otopalatodigital Syndrome, Type II; Otopalatodigital Syndrome Type 2 (FLNA-OPD2). Identifiers: Orphanet 669, Orphanet 90652, MedGen C1844696, MONDO:0010571, OMIM 304120.

Submission:

Labcorp Genetics (formerly Invitae), Labcorp
Classification: Pathogenic for Oto-palato-digital syndrome, type II; Heterotopia, periventricular, X-linked dominant; Frontometaphyseal dysplasia; Melnick-Needles syndrome. Last evaluated: 2021-09-15. Review status: criteria provided, single submitter. Criteria: Invitae Variant Classification Sherloc (09022015). Collection method: clinical testing. Allele origin: germline.
Comment: This variant has not been reported in the literature in individuals affected with FLNA-related conditions. This variant is not present in population databases (ExAC no frequency). This sequence change creates a premature translational stop signal (p.Gly2422Glnfs*24) in the FLNA gene. It is expected to result in an absent or disrupted protein product. Loss-of-function variants in FLNA are known to be pathogenic (PMID: 16684786, 20730588, 26471271). For these reasons, this variant has been classified as Pathogenic.

Literature cited by the submitters: PubMed 16684786; PubMed 20730588; PubMed 26471271.

NM_001110556.2(FLNA):c.7285_7286dup (p.Gly2430fs)

Gene: FLNA (filamin A; minus strand). Cytogenetic location: Xq28.
Variant type: Duplication.
Coding change: c.7285_7286dup on transcript NM_001110556.2 (MANE Select); coding-DNA positions 7285 to 7286, 2 bases duplicated (CC; older notation c.7285_7286dupCC).
Protein change: p.Gly2430fs; shifts the reading frame from glycine 2430.
Molecular consequence: frameshift variant.
Genome position (GRCh38, 1-based): chrX:154,350,078-154,350,079, GG duplicated on the plus strand (CC on the coding strand, the reverse complement: FLNA is on the minus strand); duplicating any 2 consecutive bases within chrX:154,350,078-154,350,080 gives the same sequence; the c. name uses the placement nearest the transcript's 3' end. VCF-style (leftmost placement, unchanged base first): chrX-154350077-T-TGG. GRCh37 (hg19) VCF-style: chrX-153578445-T-TGG.
Other names: c.7261_7262dup, p.Gly2422fs (NM_001456.4); short protein forms G2422fs, G2430fs.
Identifiers: ClinVar variation 1399735 (VCV001399735.6), dbSNP rs2148101228, ClinGen allele CA2573159404.